The following is an entry in ClinVar:

NM_018082.6(POLR3B):c.1857-12A>G

Gene: POLR3B (RNA polymerase III subunit B; plus strand). Cytogenetic location: 12q23.3.
Variant type: single nucleotide variant.
Coding change: c.1857-12A>G on transcript NM_018082.6 (MANE Select); 12 bases into the intron before coding-DNA position 1857, A replaced by G.
Molecular consequence: intron variant.
Genome position (GRCh38, 1-based): chr12:106,437,669, A>G. VCF-style: chr12-106437669-A-G. GRCh37 (hg19) VCF-style: chr12-106831447-A-G.
Other names: c.1683-12A>G (NM_001160708.2).
Identifiers: ClinVar variation 1184095 (VCV001184095.7), dbSNP rs528038639, ClinGen allele CA6762058.
Genomic context (GRCh38, chr12:106,437,669, plus strand): 5'-TCTCCTGTTATTATATAAAATACTGCAGAAAAATGCTTTTTAATGATGTCTCTTTCACCA[A>G]TATTTTCCCAGGAATTTTGAAGATTTCTTACATGAGAGTCTGGTTGAATATTTAGATGTG-3'

ClinVar aggregate classification (germline): Uncertain significance. Review status: criteria provided, multiple submitters, no conflicts (2 of 4 stars). 3 submissions from 3 submitters: Uncertain significance (2). 1 of the submissions does not count toward it. Last evaluated 2022-08-02.

Conditions:
Leukodystrophy, hypomyelinating, 8, with or without oligodontia and/or hypogonadotropic hypogonadism. Also called: LEUKODYSTROPHY, HYPOMYELINATING, 8, WITH HYPODONTIA AND HYPOGONADOTROPIC HYPOGONADISM; Hypomyelinating leukodystrophy 8 with or without oligodontia and-or hypogonadotropic hypogonadism; Endosteal sclerosis-cerebellar hypoplasia syndrome. Identifiers: Orphanet 85186, Orphanet 88637, MedGen C3280644, MONDO:0013722, OMIM 614381.

Allele frequency attached by ClinVar (database versions not stated): TOPMed 0.00002; gnomAD 0.00002; gnomAD exomes 0.00002 and 0.00003; ExAC 0.00004.
gnomAD v4.1: 28 of 1,481,648 alleles (0.0019%); highest among the groups gnomAD compares: Middle Eastern, 0.017%; no homozygotes.

Submissions (3):

Labcorp Genetics (formerly Invitae), Labcorp
Classification: Uncertain significance. Last evaluated: 2022-08-02. Review status: criteria provided, single submitter. Criteria: Invitae Variant Classification Sherloc (09022015). Collection method: clinical testing. Allele origin: germline.
Comment: In summary, the available evidence is currently insufficient to determine the role of this variant in disease. Therefore, it has been classified as a Variant of Uncertain Significance. Algorithms developed to predict the effect of sequence changes on RNA splicing suggest that this variant may disrupt the consensus splice site. ClinVar contains an entry for this variant (Variation ID: 1184095). This variant has been observed in individuals with clinical features of hypomyelinating leukodystrophy (PMID: 25339210). This variant is present in population databases (rs528038639, gnomAD 0.01%). This sequence change falls in intron 17 of the POLR3B gene. It does not directly change the encoded amino acid sequence of the POLR3B protein.

Broad Center for Mendelian Genomics, Broad Institute of MIT and Harvard
Classification: Uncertain significance for Leukodystrophy, hypomyelinating, 8, with or without oligodontia and/or hypogonadotropic hypogonadism. Last evaluated: 2022-02-28. Review status: criteria provided, single submitter. Criteria: ACMG Guidelines, 2015. Collection method: curation. Allele origin: germline. Inheritance: Autosomal recessive inheritance.
Comment: The c.1857-12A>G variant in POLR3B has been reported in 2 individuals with 4H leukodystrophy (PMID: 25339210) and has been identified in 0.01% (4/35298) of Latino/Admixed American chromosomes by the Genome Aggregation Database (gnomAD; dbSNP ID: rs528038639). Although this variant has been seen in the general population in a heterozygous state, its frequency is not high enough to rule out a pathogenic role. Of the 2 affected individuals, both were compound heterozygotes that carried reported pathogenic variants with unknown phase, which increases the likelihood that the c.1857-12A>G variant is pathogenic (VariationID: 31166; PMID: 25339210). This variant has also been reported in ClinVar (Variation ID#: 1184095) and has been interpreted as pathogenic by GeneReviews. This variant is located in the 5' splice region. Computational tools do suggest an impact to splicing. However, this information is not predictive enough to determine pathogenicity. In summary, the clinical significance of the c.1857-12A>G variant is uncertain. ACMG/AMP Criteria applied: PM3, PP3 (Richards 2015).

GeneReviews
No classification provided. Condition: Leukodystrophy, hypomyelinating, 8, with or without oligodontia and/or hypogonadotropic hypogonadism. Review status: no classification provided. Collection method: literature only. Allele origin: germline. Not counted in ClinVar's aggregate classification.

Literature cited by the submitters: PubMed 25339210 (cited by Labcorp Genetics (formerly Invitae), Labcorp and GeneReviews); PubMed 22855961 (cited by GeneReviews).